The following is an entry in ClinVar:

ClinVar aggregate classification (germline): Uncertain significance (1 of 4 stars; one submission).

Conditions:
LPIN2-related disorder. Also called: LPIN2-related condition.

gnomAD v4.1: 2 of 1,614,140 alleles (0.00012%); highest among the groups gnomAD compares: Non-Finnish European, 0.00017%; no homozygotes.

Submission:

PreventionGenetics, part of Exact Sciences
Classification: Uncertain significance for LPIN2-related condition. Last evaluated: 2026-05-17. Review status: criteria provided, single submitter. Criteria: ACMG Guidelines, 2015. Collection method: clinical testing. Allele origin: germline.
Comment: The LPIN2 c.1897A>G variant is predicted to result in the amino acid substitution p.Thr633Ala. To our knowledge, this variant has not been reported in the literature or in a large population database (gnomAD), indicating this variant is rare. At this time, the clinical significance of this variant is uncertain due to the absence of conclusive functional and genetic evidence.

NM_001375808.2(LPIN2):c.1897A>G (p.Thr633Ala)

Gene: LPIN2 (lipin 2; minus strand). Cytogenetic location: 18p11.31.
Variant type: single nucleotide variant.
Coding change: c.1897A>G on transcript NM_001375808.2 (MANE Select); coding-DNA position 1897, A replaced by G.
Protein change: p.Thr633Ala; replaces threonine 633 with alanine.
Molecular consequence: missense variant.
Genome position (GRCh38, 1-based): chr18:2,925,265, T>C on the plus strand (A>G on the coding strand, the complement: LPIN2 is on the minus strand). VCF-style: chr18-2925265-T-C. GRCh37 (hg19) VCF-style: chr18-2925263-T-C.
Other names: c.1897A>G, p.Thr633Ala (NM_001375809.1, NM_014646.2); short protein forms T633A.
Identifiers: ClinVar variation 4990764 (VCV004990764.1).